The following is an entry in ClinVar:

NM_000179.3(MSH6):c.2043C>T (p.Leu681=)

Gene: MSH6 (mutS homolog 6; plus strand). Cytogenetic location: 2p16.3.
Variant type: single nucleotide variant.
Coding change: c.2043C>T on transcript NM_000179.3 (MANE Select); coding-DNA position 2043, C replaced by T.
Protein change: p.Leu681=; no amino-acid change (leucine 681 retained).
Molecular consequence: synonymous variant. On other transcripts: non-coding transcript variant (5), intron variant (2).
Genome position (GRCh38, 1-based): chr2:47,800,026, C>T. VCF-style: chr2-47800026-C-T. GRCh37 (hg19) VCF-style: chr2-48027165-C-T.
Other names: c.1653C>T, p.Leu551= (NM_001281492.2); c.1137C>T, p.Leu379= (NM_001281493.2, NM_001281494.2, NM_001406811.1 and 6 more transcripts); c.2139C>T, p.Leu713= (NM_001406795.1, NM_001406802.1); c.2043C>T, p.Leu681= (NM_001406796.1, NM_001406798.1, NM_001406800.1 and 3 more transcripts); c.1746C>T, p.Leu582= (NM_001406797.1, NM_001406801.1, NM_001406805.1 and 10 more transcripts); c.1518C>T, p.Leu506= (NM_001406799.1, NM_001406806.1, NM_001406807.1); c.1965C>T, p.Leu655= (NM_001406804.1); c.2049C>T, p.Leu683= (NM_001406813.1); and 3 more.
Identifiers: ClinVar variation 2736385 (VCV002736385.5), dbSNP rs770323844, ClinGen allele CA068406.

ClinVar aggregate classification (germline): Benign/Likely benign. Review status: criteria provided, multiple submitters, no conflicts (2 of 4 stars). 3 submissions from 3 submitters: Benign (1); Likely benign (2). Last evaluated 2024-12-30.

Conditions:
Hereditary cancer-predisposing syndrome. Also called: Tumor predisposition; Hereditary Cancer Syndrome; Neoplastic Syndromes, Hereditary; Hereditary neoplastic syndrome. Identifiers: Orphanet 140162, MedGen C0027672, MeSH D009386, MONDO:0015356.
Lynch syndrome 5 (LYNCH5). Also called: Colorectal cancer, hereditary nonpolyposis, type 5; Hereditary non-polyposis colorectal cancer, type 5. Identifiers: Orphanet 144, MedGen C1833477, MONDO:0013710, OMIM 614350. Disease mechanism: loss of function.
Hereditary nonpolyposis colorectal neoplasms. Identifiers: MedGen C0009405, MeSH D003123.

Allele frequency attached by ClinVar (database versions not stated): ExAC 0.00001.
gnomAD v4.1: 1 of 1,614,080 alleles (0.000062%); highest among the groups gnomAD compares: Non-Finnish European, 0.000085%; no homozygotes.

Submissions (3):

Myriad Genetics, Inc.
Classification: Benign for Lynch syndrome 5. Last evaluated: 2024-12-30. Review status: criteria provided, single submitter. Criteria: Myriad Autosomal Dominant, Autosomal Recessive and X-Linked Classification Criteria (2023). Collection method: clinical testing. Allele origin: unknown.
Comment: This variant is considered benign. This variant is a silent/synonymous amino acid change and it is not expected to impact splicing.

Ambry Genetics
Classification: Likely benign for Hereditary cancer-predisposing syndrome. Last evaluated: 2024-08-01. Review status: criteria provided, single submitter. Criteria: Ambry Variant Classification Scheme 2023. Collection method: clinical testing. Allele origin: germline.

Labcorp Genetics (formerly Invitae), Labcorp
Classification: Likely benign for Hereditary nonpolyposis colorectal neoplasms. Last evaluated: 2023-07-06. Review status: criteria provided, single submitter. Criteria: Invitae Variant Classification Sherloc (09022015). Collection method: clinical testing. Allele origin: germline.